The following is an entry in ClinVar:

NM_182916.3(TRNT1):c.810_811insAAACTT (p.Pro270_Ala271insLysLeu)

Gene: TRNT1 (tRNA nucleotidyl transferase 1; plus strand). Cytogenetic location: 3p26.2.
Variant type: Insertion.
Coding change: c.810_811insAAACTT on transcript NM_182916.3 (MANE Select); coding-DNA positions 810 to 811, AAACTT inserted.
Protein change: p.Pro270_Ala271insLysLeu.
Molecular consequence: inframe insertion. On other transcripts: non-coding transcript variant (8).
Genome position: GRCh38 VCF-style: chr3-3147456-C-CTAAACT. GRCh37 (hg19) VCF-style: chr3-3189140-C-CTAAACT.
Other names: p.Pro270_Ala271insLysLeu; c.750_751insAAACTT, p.Pro250_Ala251insLysLeu (NM_001302946.2); c.810_811insAAACTT, p.Pro270_Ala271insLysLeu (NM_001367321.1, NM_001367322.1, NM_001367323.1); c.809_810insTAAACT (NM_182916.2).
Identifiers: ClinVar variation 475270 (VCV000475270.46), dbSNP rs527331900, ClinGen allele CA2228804.

ClinVar aggregate classification (germline): Benign/Likely benign. Review status: criteria provided, multiple submitters, no conflicts (2 of 4 stars). 10 submissions from 10 submitters: Benign (3); Likely benign (4). 3 of the submissions do not count toward it. Last evaluated 2026-01-21.

Conditions:
Congenital sideroblastic anemia-B-cell immunodeficiency-periodic fever-developmental delay syndrome. Also called: Sideroblastic anemia with B-cell immunodeficiency, periodic fevers, and developmental delay. Identifiers: Orphanet 369861, MedGen C4015172, MONDO:0014487, OMIM 616084.
Retinal dystrophy. Also called: Inherited retinal dystrophy. Identifiers: Orphanet 71862, MedGen C0854723, MeSH D058499, MONDO:0019118, HP:0000556.

Submissions (10):

Labcorp Genetics (formerly Invitae), Labcorp
Classification: Benign for Congenital sideroblastic anemia-B-cell immunodeficiency-periodic fever-developmental delay syndrome. Last evaluated: 2026-01-21. Review status: criteria provided, single submitter. Criteria: Invitae Variant Classification Sherloc (09022015). Collection method: clinical testing. Allele origin: germline.

Mayo Clinic Laboratories, Mayo Clinic
Classification: Benign. Last evaluated: 2025-06-16. Review status: criteria provided, single submitter. Criteria: ACMG Guidelines, 2015. Collection method: clinical testing. Allele origin: germline. Observed: 2 variant alleles.
Comment: BS1, BS2

Blueprint Genetics
Classification: Likely benign. Last evaluated: 2024-11-06. Review status: criteria provided, single submitter. Criteria: ACMG Guidelines, 2015. Collection method: clinical testing. Allele origin: germline.

ARUP Laboratories, Molecular Genetics and Genomics, ARUP Laboratories
Classification: Likely benign. Last evaluated: 2023-11-01. Review status: criteria provided, single submitter. Criteria: ARUP Molecular Germline Variant Investigation Process 2024. Collection method: clinical testing. Allele origin: germline.

CeGaT Center for Human Genetics Tuebingen
Classification: Likely benign. Last evaluated: 2023-10-01. Review status: criteria provided, single submitter. Criteria: CeGaT Center For Human Genetics Tuebingen Variant Classification Criteria Version 2. Collection method: clinical testing. Allele origin: germline. Affected: yes. Observed: 1 variant allele.
Comment: TRNT1: PM4, BS1, BS2

Dept Of Ophthalmology, Nagoya University
Classification: Benign for Retinal dystrophy. Last evaluated: 2023-10-01. Review status: criteria provided, single submitter. Criteria: Submitter's publication. Collection method: research. Allele origin: germline. Affected: yes.

GeneDx
Classification: Likely benign. Last evaluated: 2018-09-13. Review status: criteria provided, single submitter. Criteria: GeneDx Variant Classification Process June 2021. Collection method: clinical testing. Allele origin: germline. Affected: yes.

Clinical Genetics DNA and cytogenetics Diagnostics Lab, Erasmus MC, Erasmus Medical Center
Classification: Benign. Review status: no assertion criteria provided. Collection method: clinical testing. Allele origin: germline. Affected: yes. Study: VKGL Data-share Consensus. Not counted in ClinVar's aggregate classification.

Clinical Genetics, Academic Medical Center
Classification: Likely benign. Review status: no assertion criteria provided. Collection method: clinical testing. Allele origin: germline. Affected: yes. Study: VKGL Data-share Consensus. Not counted in ClinVar's aggregate classification.

Diagnostic Laboratory, Department of Genetics, University Medical Center Groningen
Classification: Likely benign. Review status: no assertion criteria provided. Collection method: clinical testing. Allele origin: germline. Affected: yes. Study: VKGL Data-share Consensus. Not counted in ClinVar's aggregate classification.